The following is an entry in ClinVar:

ClinVar aggregate classification (germline): Likely pathogenic (1 of 4 stars; one submission).

Submission:

Labcorp Genetics (formerly Invitae), Labcorp
Classification: Likely pathogenic. Last evaluated: 2023-05-19. Review status: criteria provided, single submitter. Criteria: Invitae Variant Classification Sherloc (09022015). Collection method: clinical testing. Allele origin: germline.
Comment: In summary, the currently available evidence indicates that the variant is pathogenic, but additional data are needed to prove that conclusively. Therefore, this variant has been classified as Likely Pathogenic. Algorithms developed to predict the effect of sequence changes on RNA splicing suggest that this variant may disrupt the consensus splice site. This variant has not been reported in the literature in individuals affected with OTOA-related conditions. This variant is not present in population databases (gnomAD no frequency). This sequence change affects a donor splice site in intron 18 of the OTOA gene. It is expected to disrupt RNA splicing. Variants that disrupt the donor or acceptor splice site typically lead to a loss of protein function (PMID: 16199547), and loss-of-function variants in OTOA are known to be pathogenic (PMID: 11972037).

Literature cited by the submitters: PubMed 16199547; PubMed 11972037.

NM_144672.4(OTOA):c.2016+2T>C

Gene: OTOA (otoancorin). Cytogenetic location: 16p12.2.
Variant type: single nucleotide variant.
Coding change: c.2016+2T>C on transcript NM_144672.4 (MANE Select); the canonical splice donor site of the intron after coding-DNA position 2016, T replaced by C.
Molecular consequence: splice donor variant.
Genome position (GRCh38, 1-based): chr16:21,726,660, T>C. VCF-style: chr16-21726660-T-C. GRCh37 (hg19) VCF-style: chr16-21737981-T-C.
Other names: c.1779+2T>C (NM_001161683.2); c.1044+2T>C (NM_170664.3).
Identifiers: ClinVar variation 2865727 (VCV002865727.3), dbSNP rs2507058940, ClinGen allele CA395061889.